The following is an entry in ClinVar:

ClinVar aggregate classification (germline): Uncertain significance. Review status: criteria provided, multiple submitters, no conflicts (2 of 4 stars). 2 submissions from 2 submitters: Uncertain significance (2). Last evaluated 2025-08-27.

Conditions:
Familial adenomatous polyposis 2. Also called: COLORECTAL ADENOMATOUS POLYPOSIS, AUTOSOMAL RECESSIVE; ADENOMAS, MULTIPLE COLORECTAL, AUTOSOMAL RECESSIVE; MYH-associated polyposis; MUTYH-associated polyposis; MUTYH-related attenuated familial adenomatous polyposis; FAP type 2. Identifiers: Orphanet 220460, Orphanet 247798, MedGen C3272841, MONDO:0012041, OMIM 608456.
Hereditary cancer-predisposing syndrome. Also called: Tumor predisposition; Neoplastic Syndromes, Hereditary; Hereditary Cancer Syndrome; Hereditary neoplastic syndrome. Identifiers: Orphanet 140162, MedGen C0027672, MeSH D009386, MONDO:0015356.

Submissions (2):

Ambry Genetics
Classification: Uncertain significance for Hereditary cancer-predisposing syndrome. Last evaluated: 2025-08-27. Review status: criteria provided, single submitter. Criteria: Ambry Variant Classification Scheme 2023. Collection method: clinical testing. Allele origin: germline.
Comment: The p.M506T variant (also known as c.1517T>C), located in coding exon 15 of the MUTYH gene, results from a T to C substitution at nucleotide position 1517. The methionine at codon 506 is replaced by threonine, an amino acid with similar properties. This amino acid position is conserved. In addition, this alteration is predicted to be tolerated by in silico analysis. Based on the available evidence, the clinical significance of this variant remains unclear.

Labcorp Genetics (formerly Invitae), Labcorp
Classification: Uncertain significance for Familial adenomatous polyposis 2. Last evaluated: 2025-02-17. Review status: criteria provided, single submitter. Criteria: Invitae Variant Classification Sherloc (09022015). Collection method: clinical testing. Allele origin: germline.
Comment: This sequence change replaces methionine, which is neutral and non-polar, with threonine, which is neutral and polar, at codon 506 of the MUTYH protein (p.Met506Thr). This variant is not present in population databases (gnomAD no frequency). This variant has not been reported in the literature in individuals affected with MUTYH-related conditions. An algorithm developed to predict the effect of missense changes on protein structure and function (PolyPhen-2) suggests that this variant is likely to be tolerated. In summary, the available evidence is currently insufficient to determine the role of this variant in disease. Therefore, it has been classified as a Variant of Uncertain Significance.

NM_001048174.2(MUTYH):c.1433T>C (p.Met478Thr)

Gene: MUTYH (mutY DNA glycosylase; minus strand). Cytogenetic location: 1p34.1.
Variant type: single nucleotide variant.
Coding change: c.1433T>C on transcript NM_001048174.2 (MANE Select); coding-DNA position 1433, T replaced by C.
Protein change: p.Met478Thr; replaces methionine 478 with threonine.
Molecular consequence: missense variant. On other transcripts: non-coding transcript variant (7).
Genome position (GRCh38, 1-based): chr1:45,330,517, A>G on the plus strand (T>C on the coding strand, the complement: MUTYH is on the minus strand). VCF-style: chr1-45330517-A-G. GRCh37 (hg19) VCF-style: chr1-45796189-A-G.
Other names: c.1433T>C, p.Met478Thr (NM_001048171.2, NM_001048173.2, NM_001293195.2 and 6 more transcripts); c.1436T>C, p.Met479Thr (NM_001048172.2, NM_001407071.1, NM_001407078.1 and 1 more transcripts); c.1517T>C, p.Met506Thr (NM_001128425.2); c.1478T>C, p.Met493Thr (NM_001293190.2); c.1466T>C, p.Met489Thr (NM_001293191.2, NM_001407069.1, NM_001407077.1); c.1157T>C, p.Met386Thr (NM_001293192.2, NM_001293196.2, NM_001407091.1); c.1088T>C, p.Met363Thr (NM_001350650.2, NM_001350651.2, NM_001407082.1); c.1349T>C, p.Met450Thr (NM_001407075.1); and 5 more; short protein forms M386T, M465T, M478T, M479T, M493T, M503T, M450T, M489T.
Identifiers: ClinVar variation 4113312 (VCV004113312.2).